The following is an entry in ClinVar:

NM_001040142.2(SCN2A):c.1786G>C (p.Asp596His)

Gene: SCN2A (sodium voltage-gated channel alpha subunit 2; plus strand). Cytogenetic location: 2q24.3.
Variant type: single nucleotide variant.
Coding change: c.1786G>C on transcript NM_001040142.2 (MANE Select); coding-DNA position 1786, G replaced by C.
Protein change: p.Asp596His; replaces aspartic acid 596 with histidine.
Molecular consequence: missense variant.
Genome position (GRCh38, 1-based): chr2:165,323,270, G>C. VCF-style: chr2-165323270-G-C. GRCh37 (hg19) VCF-style: chr2-166179780-G-C.
Other names: c.1786G>C (NM_021007.2); c.1786G>C, p.Asp596His (NM_001040143.2, NM_001371246.1, NM_001371247.1 and 1 more transcripts); short protein forms D596H.
Identifiers: ClinVar variation 2943985 (VCV002943985.4), dbSNP rs2467933659, ClinGen allele CA349026761.

ClinVar aggregate classification (germline): Uncertain significance. Review status: criteria provided, multiple submitters, no conflicts (2 of 4 stars). 2 submissions from 2 submitters: Uncertain significance (2). Last evaluated 2024-12-07.

Conditions:
Seizures, benign familial infantile, 3 (BFIS3). Also called: CONVULSIONS, BENIGN FAMILIAL INFANTILE, 3; Familial neonatal seizures. Identifiers: Orphanet 140927, Orphanet 306, MedGen C1843140, MONDO:0011904, OMIM 607745.
Developmental and epileptic encephalopathy, 11 (DEE11). Also called: Early infantile epileptic encephalopathy 11. Identifiers: Orphanet 1934, MedGen C3150987, MONDO:0013388, OMIM 613721.

Allele frequency attached by ClinVar (database versions not stated): gnomAD exomes below 0.00001.
gnomAD v4.1: 1 of 1,614,196 alleles (0.000062%); highest among the groups gnomAD compares: Non-Finnish European, 0.000085%; no homozygotes.

Submissions (2):

GeneDx
Classification: Uncertain significance. Last evaluated: 2024-12-07. Review status: criteria provided, single submitter. Criteria: GeneDx Variant Classification Process June 2021. Collection method: clinical testing. Allele origin: germline. Affected: yes.
Comment: Not observed at significant frequency in large population cohorts (gnomAD); In silico analysis supports that this missense variant has a deleterious effect on protein structure/function; This substitution is predicted to be in the cytoplasmic loop between the first and second homologous domains; Has not been previously published as pathogenic or benign to our knowledge

Labcorp Genetics (formerly Invitae), Labcorp
Classification: Uncertain significance for Seizures, benign familial infantile, 3; Developmental and epileptic encephalopathy, 11. Last evaluated: 2023-02-20. Review status: criteria provided, single submitter. Criteria: Invitae Variant Classification Sherloc (09022015). Collection method: clinical testing. Allele origin: germline.
Comment: This variant has not been reported in the literature in individuals affected with SCN2A-related conditions. In summary, the available evidence is currently insufficient to determine the role of this variant in disease. Therefore, it has been classified as a Variant of Uncertain Significance. This sequence change replaces aspartic acid, which is acidic and polar, with histidine, which is basic and polar, at codon 596 of the SCN2A protein (p.Asp596His). Advanced modeling of protein sequence and biophysical properties (such as structural, functional, and spatial information, amino acid conservation, physicochemical variation, residue mobility, and thermodynamic stability) performed at Invitae indicates that this missense variant is expected to disrupt SCN2A protein function. This variant is not present in population databases (gnomAD no frequency).